The following is an entry in ClinVar:

ClinVar aggregate classification (germline): Likely benign (1 of 4 stars; one submission).

Allele frequency attached by ClinVar (database versions not stated): gnomAD exomes below 0.00001 and 0.00001.

Submission:

GeneDx
Classification: Likely benign. Last evaluated: 2017-09-06. Review status: criteria provided, single submitter. Criteria: GeneDx Variant Classification (06012015). Collection method: clinical testing. Allele origin: germline. Affected: yes.
Comment: This variant is considered likely benign or benign based on one or more of the following criteria: it is a conservative change, it occurs at a poorly conserved position in the protein, it is predicted to be benign by multiple in silico algorithms, and/or has population frequency not consistent with disease.

NM_003334.4(UBA1):c.176+15G>A

Genes: UBA1 (ubiquitin like modifier activating enzyme 1; plus strand), LOC126863253 (CDK7 strongly-dependent group 2 enhancer GRCh37_chrX:47057593-47058792; plus strand). Cytogenetic location: Xp11.3.
Variant type: single nucleotide variant.
Coding change: c.176+15G>A on transcript NM_003334.4 (MANE Select); 15 bases into the intron after coding-DNA position 176, G replaced by A.
Molecular consequence: intron variant.
Genome position (GRCh38, 1-based): chrX:47,199,121, G>A. VCF-style: chrX-47199121-G-A. GRCh37 (hg19) VCF-style: chrX-47058520-G-A.
Other names: c.176+15G>A (NM_153280.3).
Identifiers: ClinVar variation 511891 (VCV000511891.1), dbSNP rs1556786565, ClinGen allele CA641900562.